The following is an entry in ClinVar:

NM_001167.4(XIAP):c.*4078C>A

Gene: XIAP (X-linked inhibitor of apoptosis; plus strand). Cytogenetic location: Xq25.
Variant type: single nucleotide variant.
Coding change: c.*4078C>A on transcript NM_001167.4 (MANE Select); 4078 bases downstream of the stop codon, C replaced by A.
Molecular consequence: 3 prime UTR variant. On other transcripts: non-coding transcript variant (2).
Genome position (GRCh38, 1-based): chrX:123,911,259, C>A. VCF-style: chrX-123911259-C-A. GRCh37 (hg19) VCF-style: chrX-123045109-C-A.
Other names: c.*4078C>A (NM_001204401.2, NM_001378590.1, NM_001378591.1 and 1 more transcripts).
Identifiers: ClinVar variation 367831 (VCV000367831.9), dbSNP rs28382751, ClinGen allele CA10508346.

ClinVar aggregate classification (germline): Benign. Review status: criteria provided, multiple submitters, no conflicts (2 of 4 stars). 3 submissions from 3 submitters: Benign (3). Last evaluated 2022-01-14.

Conditions:
X-linked lymphoproliferative disease due to XIAP deficiency. Also called: XIAP DEFICIENCY; XIAP-Related Lymphoproliferative Disease, X-Linked. Identifiers: Orphanet 2442, Orphanet 538934, MedGen C1845076, MONDO:0010385, OMIM 300635.
Autoinflammatory syndrome. Identifiers: Orphanet 93665, MedGen C3890737, MONDO:0019751.

Allele frequency attached by ClinVar (database versions not stated): gnomAD 0.17448; 1000 Genomes Project 0.23629; ExAC 0.36112.

Submissions (3):

Genome Diagnostics Laboratory, The Hospital for Sick Children
Classification: Benign for Autoinflammatory syndrome. Last evaluated: 2022-01-14. Review status: criteria provided, single submitter. Criteria: ACMG Guidelines, 2015. Collection method: clinical testing. Allele origin: germline. Affected: yes.

Illumina Laboratory Services, Illumina
Classification: Benign for X-linked lymphoproliferative disease due to XIAP deficiency. Last evaluated: 2017-04-27. Review status: criteria provided, single submitter. Criteria: ICSL Variant Classification Criteria 13 December 2019. Collection method: clinical testing. Allele origin: germline.
Comment: This variant was observed as part of a predisposition screen in an ostensibly healthy population. A literature search was performed for the gene, cDNA change, and amino acid change (where applicable). No publications were found based on this search. Allele frequency data from public databases was too high to be consistent with this variant causing disease. Therefore, this variant is classified as benign.

Breakthrough Genomics
Classification: Benign. Review status: criteria provided, single submitter. Criteria: ACMG Guidelines, 2015. Collection method: not provided. Allele origin: germline. Inheritance: X-linked inheritance. Affected: yes.